The following is an entry in ClinVar:

NM_001372044.2(SHANK3):c.4313G>A (p.Arg1438His)

Gene: SHANK3 (SH3 and multiple ankyrin repeat domains 3; plus strand). Cytogenetic location: 22q13.33.
Variant type: single nucleotide variant.
Coding change: c.4313G>A on transcript NM_001372044.2 (MANE Select); coding-DNA position 4313, G replaced by A.
Protein change: p.Arg1438His; replaces arginine 1438 with histidine.
Molecular consequence: missense variant.
Genome position (GRCh38, 1-based): chr22:50,721,921, G>A. VCF-style: chr22-50721921-G-A. GRCh37 (hg19) VCF-style: chr22-51160349-G-A.
Other names: c.4088G>A, p.Arg1363His (NM_033517.1); short protein forms R1363H, R1438H.
Identifiers: ClinVar variation 1737677 (VCV001737677.2), dbSNP rs1190813595, ClinGen allele CA515263923.

ClinVar aggregate classification (germline): Uncertain significance (1 of 4 stars; one submission).

Conditions:
Inborn genetic diseases. Identifiers: MedGen C0950123, MeSH D030342.

Allele frequency attached by ClinVar (database versions not stated): gnomAD exomes below 0.00001; gnomAD 0.00001.

Submission:

Ambry Genetics
Classification: Uncertain significance for Inborn genetic diseases. Last evaluated: 2018-05-24. Review status: criteria provided, single submitter. Criteria: Ambry Variant Classification Scheme 2023. Collection method: clinical testing. Allele origin: germline.
Comment: The p.R1363H variant (also known as c.4088G>A), located in coding exon 21 of the SHANK3 gene, results from a G to A substitution at nucleotide position 4088. The arginine at codon 1363 is replaced by histidine, an amino acid with highly similar properties. This variant did not co-segregate with disease in multiple individuals tested in our laboratory. This nucleotide position is highly conserved in available vertebrate species. Since supporting evidence is limited at this time, the clinical significance of this alteration remains unclear.